The following is an entry in ClinVar:

ClinVar aggregate classification (germline): Likely benign. Review status: criteria provided, multiple submitters, no conflicts (2 of 4 stars). 4 submissions from 4 submitters: Likely benign (4). Last evaluated 2025-06-19.

Conditions:
Familial thoracic aortic aneurysm and aortic dissection (TAAD). Also called: Thoracic aortic aneurysms and dissections. Identifiers: Orphanet 91387, MedGen C4707243, MONDO:0019625.
Marfan syndrome (MFS). Also called: Marfan syndrome, classic; Marfan syndrome type 1; Marfan's syndrome; FBN1-Related Marfan Syndrome; MARFAN SYNDROME, TYPE I. Identifiers: Orphanet 284963, Orphanet 558, MedGen C0024796, MONDO:0007947, OMIM 154700.

Allele frequency attached by ClinVar (database versions not stated): TOPMed 0.00001; 1000 Genomes Project 0.00020; gnomAD 0.00001; ExAC 0.00005; 1000 Genomes Project 30x 0.00016; gnomAD exomes 0.00001 and 0.00003.
gnomAD v4.1: 11 of 1,614,244 alleles (0.00068%); highest among the groups gnomAD compares: Admixed American, 0.0017%; no homozygotes.

Submissions (4):

Labcorp Genetics (formerly Invitae), Labcorp
Classification: Likely benign for Marfan syndrome; Familial thoracic aortic aneurysm and aortic dissection. Last evaluated: 2025-06-19. Review status: criteria provided, single submitter. Criteria: Invitae Variant Classification Sherloc (09022015). Collection method: clinical testing. Allele origin: germline.

Women's Health and Genetics/Laboratory Corporation of America, LabCorp
Classification: Likely benign. Last evaluated: 2024-12-06. Review status: criteria provided, single submitter. Criteria: LabCorp Variant Classification Summary - May 2015. Collection method: clinical testing. Allele origin: germline.

All of Us Research Program, National Institutes of Health
Classification: Likely benign for Marfan syndrome. Last evaluated: 2024-02-05. Review status: criteria provided, single submitter. Criteria: ACMG Guidelines, 2015. Collection method: clinical testing. Allele origin: germline. Inheritance: Autosomal dominant inheritance. Observed: 2 variant alleles, 2 heterozygotes.
Comment: This study involves interpretation of variants in research participants for the purpose of population health screening. Participant phenotype was not available at the time of variant classification. Additional details can be found in publication PMID: 35346344, PMCID: PMC8962531

Color Diagnostics, LLC DBA Color Health
Classification: Likely benign for Familial thoracic aortic aneurysm and aortic dissection. Last evaluated: 2019-08-19. Review status: criteria provided, single submitter. Criteria: ACMG Guidelines, 2015. Collection method: clinical testing. Allele origin: germline.

NM_000138.5(FBN1):c.7872C>T (p.Asn2624=)

Gene: FBN1 (fibrillin 1; minus strand). Cytogenetic location: 15q21.1.
Variant type: single nucleotide variant.
Coding change: c.7872C>T on transcript NM_000138.5 (MANE Select); coding-DNA position 7872, C replaced by T.
Protein change: p.Asn2624=; no amino-acid change (asparagine 2624 retained).
Molecular consequence: synonymous variant.
Genome position (GRCh38, 1-based): chr15:48,415,715, G>A on the plus strand (C>T on the coding strand, the complement: FBN1 is on the minus strand). VCF-style: chr15-48415715-G-A. GRCh37 (hg19) VCF-style: chr15-48707912-G-A.
Identifiers: ClinVar variation 925085 (VCV000925085.12), dbSNP rs539185798, ClinGen allele CA059314.
Genomic context (GRCh38, chr15:48,415,715, plus strand): 5'-TCCACTGAACTGTTCATACTGGAAGCCGGCGGGACACATGCACTTGTAGCTCCCCAGGGT[G>A]TTGTGACAGGAGGCTCCTCCGCAGATGTGAGCGCTGAGGCATTCGTTTTCATCTGCAGGC-3'
Protein context (NP_000129.3, residues 2614-2634): AHICGGASCH[Asn2624=]TLGSYKCMCP